The following is an entry in ClinVar:

ClinVar aggregate classification (germline): Uncertain significance. Review status: criteria provided, multiple submitters, no conflicts (2 of 4 stars). 2 submissions from 2 submitters: Uncertain significance (2). Last evaluated 2021-09-17.

Submissions (2):

Labcorp Genetics (formerly Invitae), Labcorp
Classification: Uncertain significance. Last evaluated: 2021-09-17. Review status: criteria provided, single submitter. Criteria: Invitae Variant Classification Sherloc (09022015). Collection method: clinical testing. Allele origin: germline.
Comment: This sequence change creates a premature translational stop signal (p.Tyr346*) in the KANK1 gene. It is expected to result in an absent or disrupted protein product. However, the current clinical and genetic evidence is not sufficient to establish whether loss-of-function variants in KANK1 cause disease. This variant is not present in population databases (ExAC no frequency). This variant has not been reported in the literature in individuals affected with KANK1-related conditions. ClinVar contains an entry for this variant (Variation ID: 402992). In summary, the available evidence is currently insufficient to determine the role of this variant in disease. Therefore, it has been classified as a Variant of Uncertain Significance.

Laboratory for Molecular Medicine, Mass General Brigham Personalized Medicine
Classification: Uncertain significance. Last evaluated: 2016-03-28. Review status: criteria provided, single submitter. Criteria: LMM Criteria. Collection method: clinical testing. Allele origin: germline.
Comment: Variant identified in a genome or exome case(s) and assessed due to predicted null impact of the variant or pathogenic assertions in the literature or databases. Disclaimer: This variant has not undergone full assessment. The following are preliminary notes: Not relevant to disease (associated with AR nephrotic syndrome, deletion associated with cerebral palsy but appeared to be imprinted). Absent from ExAC.

NM_015158.5(KANK1):c.1038C>G (p.Tyr346Ter)

Gene: KANK1 (KN motif and ankyrin repeat domains 1; plus strand). Cytogenetic location: 9p24.3.
Variant type: single nucleotide variant.
Coding change: c.1038C>G on transcript NM_015158.5 (MANE Select); coding-DNA position 1038, C replaced by G.
Protein change: p.Tyr346Ter; replaces tyrosine 346 with a stop codon.
Molecular consequence: nonsense. On other transcripts: non-coding transcript variant (1).
Genome position (GRCh38, 1-based): chr9:711,804, C>G. VCF-style: chr9-711804-C-G. GRCh37 (hg19) VCF-style: chr9-711804-C-G.
Other names: c.1038C>G, p.Tyr346Ter (NM_001256876.3, NM_001256877.3, NM_001354331.2 and 2 more transcripts); c.564C>G, p.Tyr188Ter (NM_001354333.2, NM_001354335.2, NM_001354336.2 and 9 more transcripts); short protein forms Y346*, Y188*.
Identifiers: ClinVar variation 402992 (VCV000402992.9), dbSNP rs1060499870, ClinGen allele CA16609742.